The following is an entry in ClinVar:

NM_032119.4(ADGRV1):c.17847A>G (p.Leu5949=)

Gene: ADGRV1 (adhesion G protein-coupled receptor V1; plus strand). Cytogenetic location: 5q14.3.
Variant type: single nucleotide variant.
Coding change: c.17847A>G on transcript NM_032119.4 (MANE Select); coding-DNA position 17847, A replaced by G.
Protein change: p.Leu5949=; no amino-acid change (leucine 5949 retained).
Molecular consequence: synonymous variant. On other transcripts: non-coding transcript variant (1).
Genome position (GRCh38, 1-based): chr5:90,863,848, A>G. VCF-style: chr5-90863848-A-G. GRCh37 (hg19) VCF-style: chr5-90159665-A-G.
Other names: c.17847A>G (NM_032119.3).
Identifiers: ClinVar variation 1926103 (VCV001926103.7), dbSNP rs767694138, ClinGen allele CA3342468.

ClinVar aggregate classification (germline): Likely benign. Review status: criteria provided, multiple submitters, no conflicts (2 of 4 stars). 3 submissions from 3 submitters: Likely benign (3). Last evaluated 2026-05-27.

Conditions:
ADGRV1-related disorder. Also called: ADGRV1-related condition; ADGRV1-related disorders.

Allele frequency attached by ClinVar (database versions not stated): gnomAD 0.00001; TOPMed 0.00001; ExAC 0.00002; gnomAD exomes 0.00002.
gnomAD v4.1: 29 of 1,605,522 alleles (0.0018%); highest among the groups gnomAD compares: Admixed American, 0.0033%; no homozygotes.

Submissions (3):

PreventionGenetics, part of Exact Sciences
Classification: Likely benign for ADGRV1-related condition. Last evaluated: 2026-05-27. Review status: criteria provided, single submitter. Criteria: ACMG Guidelines, 2015. Collection method: clinical testing. Allele origin: germline.
Comment: This variant is classified as likely benign based on ACMG/AMP sequence variant interpretation guidelines (Richards et al. 2015 PMID: 25741868, with internal and published modifications).

Blueprint Genetics
Classification: Likely benign. Last evaluated: 2024-05-29. Review status: criteria provided, single submitter. Criteria: ACMG Guidelines, 2015. Collection method: clinical testing. Allele origin: germline.

Labcorp Genetics (formerly Invitae), Labcorp
Classification: Likely benign. Last evaluated: 2023-12-30. Review status: criteria provided, single submitter. Criteria: Invitae Variant Classification Sherloc (09022015). Collection method: clinical testing. Allele origin: germline.